The following is an entry in ClinVar:

ClinVar aggregate classification (germline): Benign/Likely benign. Review status: criteria provided, multiple submitters, no conflicts (2 of 4 stars). 3 submissions from 3 submitters: Benign (1); Likely benign (2). Last evaluated 2025-04-30.

Conditions:
Ataxia-telangiectasia syndrome (AT). Also called: Ataxia-telangiectasia; AT, COMPLEMENTATION GROUP C; LOUIS-BAR SYNDROME; Ataxia telangiectasia (A-T); Cerebello-oculocutaneous telangiectasia; Immunodeficiency with ataxia telangiectasia. Identifiers: Orphanet 100, MedGen C0004135, MONDO:0008840, OMIM 208900.
Hereditary cancer-predisposing syndrome. Also called: Tumor predisposition; Hereditary Cancer Syndrome; Neoplastic Syndromes, Hereditary; Hereditary neoplastic syndrome. Identifiers: Orphanet 140162, MedGen C0027672, MeSH D009386, MONDO:0015356.
Familial cancer of breast. Also called: BREAST CANCER, FAMILIAL; hereditary breast carcinoma; Hereditary breast cancer. Identifiers: Orphanet 227535, MedGen C0346153, MONDO:0016419, OMIM 114480. Disease mechanism: loss of function.

Allele frequency attached by ClinVar (database versions not stated): ExAC 0.00001; gnomAD 0.00001; gnomAD exomes 0.00001.
gnomAD v4.1: 14 of 1,613,790 alleles (0.00087%); highest among the groups gnomAD compares: Non-Finnish European, 0.0011%; no homozygotes.

Submissions (3):

Labcorp Genetics (formerly Invitae), Labcorp
Classification: Likely benign for Ataxia-telangiectasia syndrome. Last evaluated: 2025-04-30. Review status: criteria provided, single submitter. Criteria: Invitae Variant Classification Sherloc (09022015). Collection method: clinical testing. Allele origin: germline.

Myriad Genetics, Inc.
Classification: Benign for Familial cancer of breast. Last evaluated: 2024-04-24. Review status: criteria provided, single submitter. Criteria: Myriad Autosomal Dominant, Autosomal Recessive and X-Linked Classification Criteria (2023). Collection method: clinical testing. Allele origin: unknown.
Comment: This variant is considered benign. This variant is a silent/synonymous amino acid change and it is not expected to impact splicing.

Ambry Genetics
Classification: Likely benign for Hereditary cancer-predisposing syndrome. Last evaluated: 2019-10-17. Review status: criteria provided, single submitter. Criteria: Ambry Variant Classification Scheme 2023. Collection method: clinical testing. Allele origin: germline.

NM_000051.4(ATM):c.1038T>A (p.Ile346=)

Gene: ATM (ATM serine/threonine kinase; plus strand). Cytogenetic location: 11q22.3.
Variant type: single nucleotide variant.
Coding change: c.1038T>A on transcript NM_000051.4 (MANE Select); coding-DNA position 1038, T replaced by A.
Protein change: p.Ile346=; no amino-acid change (isoleucine 346 retained).
Molecular consequence: synonymous variant.
Genome position (GRCh38, 1-based): chr11:108,247,100, T>A. VCF-style: chr11-108247100-T-A. GRCh37 (hg19) VCF-style: chr11-108117827-T-A.
Other names: c.1038T>A, p.Ile346= (NM_001351834.2).
Identifiers: ClinVar variation 742703 (VCV000742703.13), dbSNP rs749950833, ClinGen allele CA6264723.